The following is an entry in ClinVar:

ClinVar aggregate classification (germline): Benign (0 of 4 stars; one submission).

Conditions:
SLC25A43-related disorder. Also called: SLC25A43-related condition.

Allele frequency attached by ClinVar (database versions not stated): gnomAD exomes 0.10859; gnomAD 0.12471; TOPMed 0.12549; 1000 Genomes Project 30x 0.16816; 1000 Genomes Project 0.17192; ExAC 0.31394.
gnomAD v4.1: 115,924 of 1,049,750 alleles (11%); highest among the groups gnomAD compares: East Asian, 24%; 4,872 homozygotes.

Submission:

PreventionGenetics, part of Exact Sciences
Classification: Benign for SLC25A43-related condition. Last evaluated: 2019-10-28. Review status: no assertion criteria provided. Collection method: clinical testing. Allele origin: germline.
Comment: This variant is classified as benign based on ACMG/AMP sequence variant interpretation guidelines (Richards et al. 2015 PMID: 25741868, with internal and published modifications).

NM_145305.3(SLC25A43):c.57T>C (p.Ala19=)

Genes: SLC25A43 (solute carrier family 25 member 43; plus strand), LOC130068590 (ATAC-STARR-seq lymphoblastoid silent region 20957; plus strand). Cytogenetic location: Xq24.
Variant type: single nucleotide variant.
Coding change: c.57T>C on transcript NM_145305.3 (MANE Select); coding-DNA position 57, T replaced by C.
Protein change: p.Ala19=; no amino-acid change (alanine 19 retained).
Molecular consequence: synonymous variant.
Genome position (GRCh38, 1-based): chrX:119,399,460, T>C. VCF-style: chrX-119399460-T-C. GRCh37 (hg19) VCF-style: chrX-118533423-T-C.
Identifiers: ClinVar variation 3057104 (VCV003057104.2), dbSNP rs5957164, ClinGen allele CA10501836.